The following is an entry in ClinVar:

NM_001012426.2(FOXP4):c.1357+5G>T

Gene: FOXP4 (forkhead box P4; plus strand). Cytogenetic location: 6p21.1.
Variant type: single nucleotide variant.
Coding change: c.1357+5G>T on transcript NM_001012426.2 (MANE Select); 5 bases into the intron after coding-DNA position 1357, G replaced by T.
Molecular consequence: intron variant.
Genome position (GRCh38, 1-based): chr6:41,590,175, G>T. VCF-style: chr6-41590175-G-T. GRCh37 (hg19) VCF-style: chr6-41557913-G-T.
Other names: c.1321+5G>T (NM_001405824.1); c.1318+5G>T (NM_138457.3); c.1351+5G>T (NM_001012427.2); c.1261+5G>T (NM_001405825.1); c.1225+5G>T (NM_001405826.1).
Identifiers: ClinVar variation 3369684 (VCV003369684.2).

ClinVar aggregate classification (germline): Uncertain significance (1 of 4 stars; one submission).

Submission:

GeneDx
Classification: Uncertain significance. Last evaluated: 2025-02-24. Review status: criteria provided, single submitter. Criteria: GeneDx Variant Classification Process June 2021. Collection method: clinical testing. Allele origin: germline.
Comment: Not observed at significant frequency in large population cohorts (gnomAD); In silico analysis suggests this variant may impact gene splicing. In the absence of RNA/functional studies, the actual effect of this sequence change is unknown.; Has not been previously published as pathogenic or benign to our knowledge